The following is an entry in ClinVar:

NM_000330.4(RS1):c.626G>A (p.Arg209His)

Genes: CDKL5 (cyclin dependent kinase like 5; plus strand), RS1 (retinoschisin 1; minus strand). Cytogenetic location: Xp22.13.
Variant type: single nucleotide variant.
Coding change: c.626G>A on transcript NM_000330.4 (MANE Select); coding-DNA position 626, G replaced by A.
Protein change: p.Arg209His; replaces arginine 209 with histidine.
Molecular consequence: missense variant. On other transcripts: intron variant (2).
Genome position (GRCh38, 1-based): chrX:18,642,053, C>T on the plus strand (G>A on the coding strand, the complement: RS1 is on the minus strand). VCF-style: chrX-18642053-C-T. GRCh37 (hg19) VCF-style: chrX-18660173-C-T.
Other names: c.2714-3954C>T (NM_003159.3, NM_001037343.2); short protein forms R209H.
Identifiers: ClinVar variation 99007 (VCV000099007.15), dbSNP rs281865362, ClinGen allele CA226825.

ClinVar aggregate classification (germline): Pathogenic/Likely pathogenic. Review status: criteria provided, multiple submitters, no conflicts (2 of 4 stars). 8 submissions from 8 submitters: Pathogenic (5); Likely pathogenic (1). 2 of the submissions do not count toward it. Last evaluated 2026-04-22.

Conditions:
RS1-related disorder. Also called: RS1-related condition.
Retinal dystrophy. Also called: Inherited retinal dystrophy. Identifiers: Orphanet 71862, MedGen C0854723, MeSH D058499, MONDO:0019118, HP:0000556.
Juvenile retinoschisis (RS1). Also called: X-Linked Juvenile Retinoschisis; X-linked retinoschisis. Identifiers: Orphanet 792, MedGen C3714753, MONDO:0010725, OMIM 312700.

Submissions (8):

Dasa
Classification: Likely pathogenic. Last evaluated: 2026-04-22. Review status: criteria provided, single submitter. Criteria: DASA Assertion Criteria. Collection method: clinical testing. Allele origin: germline.
Comment: NM_000330.4(RS1):c.626G>A (p.Arg209His) is a missense variant that results in the substitution of arginine with histidine. This variant has been recurrently observed in individuals with RS1-related disorders (PMID: 39747991; PMID: 9326935; PMID: 36460718). Functional evidence supports an impact on the gene or gene product (PMID: 39747991; PMID: 9326935; PMID: 36460718; PMID: 30040949). Also, this variant is rare in population databases. Computational evidence supports a deleterious effect. Based on the currently available evidence, this variant is classified as likely pathogenic.

GeneDx
Classification: Pathogenic. Last evaluated: 2023-09-07. Review status: criteria provided, single submitter. Criteria: GeneDx Variant Classification Process June 2021. Collection method: clinical testing. Allele origin: germline. Affected: yes.
Comment: Published functional studies demonstrate a damaging effect (Plossl et al., 2018); Not observed at significant frequency in large population cohorts (gnomAD); In silico analysis supports that this missense variant does not alter protein structure/function; This variant is associated with the following publications: (PMID: 17615541, 19324861, 34624300, 35456481, 16361673, 23568735, 9326935, 22245536, 18369700, 27114531, 9618178, 28272453, 30040949, 35309139, 36460718, 34645606)

Blueprint Genetics
Classification: Pathogenic for RS1-related disorders. Last evaluated: 2023-05-19. Review status: criteria provided, single submitter. Criteria: ACMG Guidelines, 2015. Collection method: clinical testing. Allele origin: germline. Affected: yes. Observed: 4 variant alleles.

Institute of Human Genetics, Univ. Regensburg, Univ. Regensburg
Classification: Pathogenic for Retinal dystrophy. Last evaluated: 2023-01-01. Review status: criteria provided, single submitter. Criteria: ACMG Guidelines, 2015. Collection method: clinical testing. Allele origin: germline. Affected: yes.

Labcorp Genetics (formerly Invitae), Labcorp
Classification: Pathogenic. Last evaluated: 2022-11-28. Review status: criteria provided, single submitter. Criteria: Invitae Variant Classification Sherloc (09022015). Collection method: clinical testing. Allele origin: germline.
Comment: Experimental studies have shown that this missense change affects RS1 function (PMID: 30040949). For these reasons, this variant has been classified as Pathogenic. This variant disrupts the p.Arg209 amino acid residue in RS1. Other variant(s) that disrupt this residue have been determined to be pathogenic (PMID: 9618178, 28272453, 30652005). This suggests that this residue is clinically significant, and that variants that disrupt this residue are likely to be disease-causing. Advanced modeling of protein sequence and biophysical properties (such as structural, functional, and spatial information, amino acid conservation, physicochemical variation, residue mobility, and thermodynamic stability) performed at Invitae indicates that this missense variant is expected to disrupt RS1 protein function. ClinVar contains an entry for this variant (Variation ID: 99007). This missense change has been observed in individuals with X-linked retinoschisis (PMID: 9326935, 23568735; Invitae). It has also been observed to segregate with disease in related individuals. This variant is not present in population databases (gnomAD no frequency). This sequence change replaces arginine, which is basic and polar, with histidine, which is basic and polar, at codon 209 of the RS1 protein (p.Arg209His).

Institute of Medical Genetics and Applied Genomics, University Hospital Tübingen
Classification: Pathogenic. Last evaluated: 2020-10-23. Review status: criteria provided, single submitter. Criteria: ACMG Guidelines, 2015. Collection method: clinical testing. Allele origin: germline. Inheritance: X-linked dominant inheritance. Affected: yes.

Retina International
No classification provided. Review status: no classification provided. Collection method: not provided. Allele origin: unknown. Not counted in ClinVar's aggregate classification.

Department of Ophthalmology, Shanghai Jiao Tong University School of Medicine, Shanghai General Hospital
Classification: Uncertain significance for Juvenile retinoschisis. Review status: flagged submission. Criteria: ACMG Guidelines, 2015. Collection method: research. Allele origin: germline. Affected: yes. Not counted in ClinVar's aggregate classification.
ClinVar note: Reason: Outlier claim with insufficient supporting evidence

Literature cited by the submitters: PubMed 39747991 (cited by Dasa); PubMed 9326935 (cited by 3 submitters); PubMed 36460718 (cited by Dasa and Institute of Human Genetics, Univ. Regensburg, Univ. Regensburg); PubMed 30040949 (cited by Dasa and Labcorp Genetics (formerly Invitae), Labcorp); PubMed 16361673 (cited by Institute of Human Genetics, Univ. Regensburg, Univ. Regensburg); PubMed 23568735 (cited by Institute of Human Genetics, Univ. Regensburg, Univ. Regensburg and Labcorp Genetics (formerly Invitae), Labcorp); PubMed 35456481 (cited by Institute of Human Genetics, Univ. Regensburg, Univ. Regensburg); PubMed 35309139 (cited by Institute of Human Genetics, Univ. Regensburg, Univ. Regensburg); PubMed 34624300 (cited by Institute of Human Genetics, Univ. Regensburg, Univ. Regensburg); PubMed 34645606 (cited by Institute of Human Genetics, Univ. Regensburg, Univ. Regensburg); PubMed 9618178 (cited by Labcorp Genetics (formerly Invitae), Labcorp); PubMed 28272453 (cited by Labcorp Genetics (formerly Invitae), Labcorp); PubMed 30652005 (cited by Labcorp Genetics (formerly Invitae), Labcorp).